The following is an entry in ClinVar:

ClinVar aggregate classification (germline): Likely benign. Review status: criteria provided, single submitter (1 of 4 stars). 2 submissions from 2 submitters: Likely benign (1). 1 of the submissions does not count toward it. Last evaluated 2026-01-29.

Conditions:
LSM11-related disorder. Also called: LSM11-related condition.

Allele frequency attached by ClinVar (database versions not stated): 1000 Genomes Project 0.00100; TOPMed 0.00161; ExAC 0.00348.
gnomAD v4.1: 2,639 of 1,324,358 alleles (0.2%); highest among the groups gnomAD compares: Middle Eastern, 0.25%; 7 homozygotes.

Submissions (2):

Women's Health and Genetics/Laboratory Corporation of America, LabCorp
Classification: Likely benign. Last evaluated: 2026-01-29. Review status: criteria provided, single submitter. Criteria: LabCorp Variant Classification Summary - May 2015. Collection method: clinical testing. Allele origin: germline.
Comment: Variant summary: LSM11 c.208G>A (p.Gly70Ser) results in a non-conservative amino acid change in the encoded protein sequence. Algorithms developed to predict the effect of missense changes on protein structure and function are either unavailable or do not agree on the potential impact of this missense change. The variant allele was found at a frequency of 0.0029 in 59040 control chromosomes. The observed variant frequency exceeds the estimated maximal expected allele frequency for disease-causing variants in LSM11. To our knowledge, no occurrence of c.208G>A in individuals affected with LSM11-related conditions and no experimental evidence demonstrating its impact on protein function have been reported. ClinVar contains an entry for this variant (Variation ID: 3037709). Based on the evidence outlined above, the variant was classified as likely benign.

PreventionGenetics, part of Exact Sciences
Classification: Likely benign for LSM11-related condition. Last evaluated: 2022-05-23. Review status: no assertion criteria provided. Collection method: clinical testing. Allele origin: germline. Not counted in ClinVar's aggregate classification.
Comment: This variant is classified as likely benign based on ACMG/AMP sequence variant interpretation guidelines (Richards et al. 2015 PMID: 25741868, with internal and published modifications).

NM_173491.4(LSM11):c.208G>A (p.Gly70Ser)

Genes: LSM11 (LSM11, U7 small nuclear RNA associated; plus strand), LOC129995145 (ATAC-STARR-seq lymphoblastoid silent region 16563; plus strand). Cytogenetic location: 5q33.3.
Variant type: single nucleotide variant.
Coding change: c.208G>A on transcript NM_173491.4 (MANE Select); coding-DNA position 208, G replaced by A.
Protein change: p.Gly70Ser; replaces glycine 70 with serine.
Molecular consequence: missense variant.
Genome position (GRCh38, 1-based): chr5:157,743,958, G>A. VCF-style: chr5-157743958-G-A. GRCh37 (hg19) VCF-style: chr5-157170966-G-A.
Other names: short protein forms G70S.
Identifiers: ClinVar variation 3037709 (VCV003037709.5), dbSNP rs202030318, ClinGen allele CA3536653.
Genomic context (GRCh38, chr5:157,743,958, plus strand): 5'-GCCCCCTGCTTCAACAACGTGGCGGAGTACGAGAGCTTCCTCAGGACCGGAGTCCGGGGC[G>A]GCGGGCGCGGGCGCGGGCGGGCTCGGGGCGCGGCCGCGGGCTCTGGGGTTCCCGCCGCAC-3'
Protein context (NP_775762.1, residues 60-80): ESFLRTGVRG[Gly70Ser]GRGRGRARGA